The following is an entry in ClinVar:

NM_207361.6(FREM2):c.3109T>A (p.Ser1037Thr)

Gene: FREM2 (FRAS1 related extracellular matrix 2; plus strand). Cytogenetic location: 13q13.3.
Variant type: single nucleotide variant.
Coding change: c.3109T>A on transcript NM_207361.6 (MANE Select); coding-DNA position 3109, T replaced by A.
Protein change: p.Ser1037Thr; replaces serine 1037 with threonine.
Molecular consequence: missense variant.
Genome position (GRCh38, 1-based): chr13:38,690,453, T>A. VCF-style: chr13-38690453-T-A. GRCh37 (hg19) VCF-style: chr13-39264590-T-A.
Other names: short protein forms S1037T.
Identifiers: ClinVar variation 2401051 (VCV002401051.4), dbSNP rs774249973, ClinGen allele CA6954736.
Genomic context (GRCh38, chr13:38,690,453, plus strand): 5'-ACCCACACCAGTGGTGAGATAGGCCTATTGCCTAAAGCGGATTCTTTTAACCTGAGTCTG[T>A]CAGATATGTCTCAAGAATGGAGAATTGGTGGCAATACTATCCAAGGAGTTACTATATGGG-3'
Protein context (NP_997244.4, residues 1027-1047): PKADSFNLSL[Ser1037Thr]DMSQEWRIGG

ClinVar aggregate classification (germline): Uncertain significance. Review status: criteria provided, multiple submitters, no conflicts (2 of 4 stars). 3 submissions from 3 submitters: Uncertain significance (3). Last evaluated 2024-06-10.

Conditions:
Inborn genetic diseases. Identifiers: MedGen C0950123, MeSH D030342.
Isolated cryptophthalmia. Also called: Cryptophthalmos, unilateral or bilateral, isolated; ANKYLOBLEPHARON, SIMPLE. Identifiers: Orphanet 91396, MedGen C1852453, MONDO:0007410, OMIM 123570.
Fraser syndrome 2 (FRASRS2). Identifiers: MedGen C4540036, MONDO:0054738, OMIM 617666.

Allele frequency attached by ClinVar (database versions not stated): ExAC 0.00001; gnomAD exomes 0.00001; TOPMed 0.00002; gnomAD 0.00004.
gnomAD v4.1: 21 of 1,614,086 alleles (0.0013%); highest among the groups gnomAD compares: Non-Finnish European, 0.0016%; no homozygotes.

Submissions (3):

Fulgent Genetics
Classification: Uncertain significance for Isolated cryptophthalmia; Fraser syndrome 2. Last evaluated: 2024-06-10. Review status: criteria provided, single submitter. Criteria: ACMG Guidelines, 2015. Collection method: clinical testing. Allele origin: germline.

GeneDx
Classification: Uncertain significance. Last evaluated: 2023-12-21. Review status: criteria provided, single submitter. Criteria: GeneDx Variant Classification Process June 2021. Collection method: clinical testing. Allele origin: germline. Affected: yes.
Comment: Has not been previously published as pathogenic or benign to our knowledge; Not observed at significant frequency in large population cohorts (gnomAD); In silico analysis supports that this missense variant does not alter protein structure/function

Ambry Genetics
Classification: Uncertain significance for Inborn genetic diseases. Last evaluated: 2022-07-12. Review status: criteria provided, single submitter. Criteria: Ambry Variant Classification Scheme 2023. Collection method: clinical testing. Allele origin: germline.